The following is an entry in ClinVar:

ClinVar aggregate classification (germline): Uncertain significance (1 of 4 stars; one submission).

Conditions:
Sulfite oxidase deficiency. Also called: Isolated sulfite oxidase deficiency. Identifiers: Orphanet 833, Orphanet 99731, MedGen C0268624, MONDO:0010089, OMIM 272300, HP:0003643.

Allele frequency attached by ClinVar (database versions not stated): ExAC 0.00002.

Submission:

Labcorp Genetics (formerly Invitae), Labcorp
Classification: Uncertain significance for Sulfite oxidase deficiency. Last evaluated: 2022-03-10. Review status: criteria provided, single submitter. Criteria: Invitae Variant Classification Sherloc (09022015). Collection method: clinical testing. Allele origin: germline.
Comment: This sequence change replaces aspartic acid, which is acidic and polar, with glutamic acid, which is acidic and polar, at codon 324 of the SUOX protein (p.Asp324Glu). This variant is present in population databases (rs776352491, gnomAD 0.006%). This variant has not been reported in the literature in individuals affected with SUOX-related conditions. Algorithms developed to predict the effect of missense changes on protein structure and function are either unavailable or do not agree on the potential impact of this missense change (SIFT: "Deleterious"; PolyPhen-2: "Benign"; Align-GVGD: "Class C0"). In summary, the available evidence is currently insufficient to determine the role of this variant in disease. Therefore, it has been classified as a Variant of Uncertain Significance.

NM_001032386.2(SUOX):c.972C>A (p.Asp324Glu)

Gene: SUOX (sulfite oxidase; plus strand). Cytogenetic location: 12q13.2.
Variant type: single nucleotide variant.
Coding change: c.972C>A on transcript NM_001032386.2 (MANE Select); coding-DNA position 972, C replaced by A.
Protein change: p.Asp324Glu; replaces aspartic acid 324 with glutamic acid.
Molecular consequence: missense variant.
Genome position (GRCh38, 1-based): chr12:56,004,361, C>A. VCF-style: chr12-56004361-C-A. GRCh37 (hg19) VCF-style: chr12-56398145-C-A.
Other names: c.972C>A, p.Asp324Glu (NM_000456.3, NM_001032387.2); short protein forms D324E.
Identifiers: ClinVar variation 2108628 (VCV002108628.3), dbSNP rs776352491, ClinGen allele CA6621071.